The following is an entry in ClinVar:

NM_024747.6(HPS6):c.627G>A (p.Trp209Ter)

Gene: HPS6 (HPS6 biogenesis of lysosomal organelles complex 2 subunit 3; plus strand). Cytogenetic location: 10q24.32.
Variant type: single nucleotide variant.
Coding change: c.627G>A on transcript NM_024747.6 (MANE Select); coding-DNA position 627, G replaced by A.
Protein change: p.Trp209Ter; replaces tryptophan 209 with a stop codon.
Molecular consequence: nonsense.
Genome position (GRCh38, 1-based): chr10:102,066,101, G>A. VCF-style: chr10-102066101-G-A. GRCh37 (hg19) VCF-style: chr10-103825858-G-A.
Other names: short protein forms W209*.
Identifiers: ClinVar variation 2702141 (VCV002702141.3), dbSNP rs2540986906, ClinGen allele CA377858166.

ClinVar aggregate classification (germline): Pathogenic (1 of 4 stars; one submission).

Submission:

Labcorp Genetics (formerly Invitae), Labcorp
Classification: Pathogenic. Last evaluated: 2023-12-11. Review status: criteria provided, single submitter. Criteria: Invitae Variant Classification Sherloc (09022015). Collection method: clinical testing. Allele origin: germline.
Comment: This sequence change creates a premature translational stop signal (p.Trp209*) in the HPS6 gene. While this is not anticipated to result in nonsense mediated decay, it is expected to disrupt the last 567 amino acid(s) of the HPS6 protein. This variant is not present in population databases (gnomAD no frequency). This variant has not been reported in the literature in individuals affected with HPS6-related conditions. This variant disrupts a region of the HPS6 protein in which other variant(s) (p.Gln680*) have been determined to be pathogenic (PMID: 27225848, 29054114). This suggests that this is a clinically significant region of the protein, and that variants that disrupt it are likely to be disease-causing. For these reasons, this variant has been classified as Pathogenic.

Literature cited by the submitters: PubMed 27225848; PubMed 29054114.